The following is an entry in ClinVar:

NM_007294.4(BRCA1):c.2170C>A (p.Pro724Thr)

Gene: BRCA1 (BRCA1 DNA repair associated; minus strand). Cytogenetic location: 17q21.31.
Variant type: single nucleotide variant.
Coding change: c.2170C>A on transcript NM_007294.4 (MANE Select); coding-DNA position 2170, C replaced by A.
Protein change: p.Pro724Thr; replaces proline 724 with threonine.
Molecular consequence: missense variant. On other transcripts: intron variant (137).
Genome position (GRCh38, 1-based): chr17:43,093,361, G>T on the plus strand (C>A on the coding strand, the complement: BRCA1 is on the minus strand). VCF-style: chr17-43093361-G-T. GRCh37 (hg19) VCF-style: chr17-41245378-G-T.
Other names: c.1906C>A, p.Pro636Thr (NM_001407925.1, NM_001407926.1, NM_001407927.1 and 9 more transcripts); c.1957C>A, p.Pro653Thr (NM_001407571.1, NM_001407853.1, NM_001407894.1 and 9 more transcripts); c.2167C>A, p.Pro723Thr (NM_001407587.1, NM_001407590.1, NM_001407860.1 and 22 more transcripts); c.2170C>A, p.Pro724Thr (NM_001407582.1, NM_001407581.1, NM_001407583.1 and 30 more transcripts); c.1903C>A, p.Pro635Thr (NM_001407930.1, NM_001407931.1, NM_001407932.1 and 2 more transcripts); c.2026C>A, p.Pro676Thr (NM_001407848.1, NM_001407849.1, NM_001407943.1 and 20 more transcripts); c.2029C>A, p.Pro677Thr (NM_001407850.1, NM_001407851.1, NM_001407852.1 and 29 more transcripts); c.1969C>A, p.Pro657Thr (NM_001407862.1); and 41 more; short protein forms P428T, P653T, P677T, P724T, P556T, P635T, P654T, P657T.
Identifiers: ClinVar variation 2705998 (VCV002705998.3), dbSNP rs2154395681, ClinGen allele CA10597664.

ClinVar aggregate classification (germline): Uncertain significance (1 of 4 stars; one submission).

Conditions:
Hereditary breast ovarian cancer syndrome. Also called: Hereditary breast and/or ovarian cancer syndrome; Hereditary breast and ovarian cancer syndrome (HBOC); Breast and ovarian cancer; Hereditary breast and ovarian cancer syndrome; Hereditary breast and ovarian cancer; BRCA1- and BRCA2-Associated Hereditary Breast and Ovarian Cancer. Identifiers: Orphanet 145, MedGen C0677776, MeSH D061325, MONDO:0003582. Disease mechanism: loss of function.

Allele frequency attached by ClinVar (database versions not stated): gnomAD exomes below 0.00001.
gnomAD v4.1: 1 of 1,613,930 alleles (0.000062%); highest among the groups gnomAD compares: Non-Finnish European, 0.000085%; no homozygotes.

Submission:

Labcorp Genetics (formerly Invitae), Labcorp
Classification: Uncertain significance for Hereditary breast ovarian cancer syndrome. Last evaluated: 2023-12-28. Review status: criteria provided, single submitter. Criteria: Invitae Variant Classification Sherloc (09022015). Collection method: clinical testing. Allele origin: germline.
Comment: This sequence change replaces proline, which is neutral and non-polar, with threonine, which is neutral and polar, at codon 724 of the BRCA1 protein (p.Pro724Thr). This variant is not present in population databases (gnomAD no frequency). This variant has not been reported in the literature in individuals affected with BRCA1-related conditions. Advanced modeling of protein sequence and biophysical properties (such as structural, functional, and spatial information, amino acid conservation, physicochemical variation, residue mobility, and thermodynamic stability) performed at Invitae indicates that this missense variant is not expected to disrupt BRCA1 protein function with a negative predictive value of 95%. In summary, the available evidence is currently insufficient to determine the role of this variant in disease. Therefore, it has been classified as a Variant of Uncertain Significance.